The following is an entry in ClinVar:

NM_006059.4(LAMC3):c.1209_1211del (p.Cys403_Lys404delinsTrp)

Gene: LAMC3 (laminin subunit gamma 3; plus strand). Cytogenetic location: 9q34.12.
Variant type: Deletion.
Coding change: c.1209_1211del on transcript NM_006059.4 (MANE Select); coding-DNA positions 1209 to 1211, 3 bases deleted (CAA; older notation c.1209_1211delCAA).
Protein change: p.Cys403_Lys404delinsTrp.
Molecular consequence: inframe indel.
Genome position (GRCh38, 1-based): chr9:131,039,174-131,039,176, CAA deleted. VCF-style (leftmost placement, unchanged base first): chr9-131039173-GCAA-G. GRCh37 (hg19) VCF-style: chr9-133914560-GCAA-G.
Identifiers: ClinVar variation 1511237 (VCV001511237.4), dbSNP rs2133254776, ClinGen allele CA2573144085.
Genomic context (GRCh38, chr9:131,039,173, plus strand): 5'-GTGCCCTTCCTCTCCCAGGCTCCCTACACCTCCAGTGCGATGACACAGGCACCTGCGCCT[GCAA>G]GCCCACGGTGACTGGCTGGAAGTGTGACCGCTGTCTGCCCGGGTTCCACTCGCTCAGTGA-3'

ClinVar aggregate classification (germline): Uncertain significance (1 of 4 stars; one submission).

Allele frequency attached by ClinVar (database versions not stated): gnomAD exomes below 0.00001.

Submission:

Labcorp Genetics (formerly Invitae), Labcorp
Classification: Uncertain significance. Last evaluated: 2021-09-18. Review status: criteria provided, single submitter. Criteria: Invitae Variant Classification Sherloc (09022015). Collection method: clinical testing. Allele origin: germline.
Comment: In summary, the available evidence is currently insufficient to determine the role of this variant in disease. Therefore, it has been classified as a Variant of Uncertain Significance. Experimental studies and prediction algorithms are not available or were not evaluated, and the functional significance of this variant is currently unknown. This variant has not been reported in the literature in individuals affected with LAMC3-related conditions. This variant is not present in population databases (ExAC no frequency). This variant, c.1209_1211del, results in the deletion of 2 and insertion of 1 amino acid(s) of the LAMC3 protein (p.Cys403_Lys404delinsTrp), but otherwise preserves the integrity of the reading frame.